The following is an entry in ClinVar:

ClinVar aggregate classification (germline): Conflicting classifications of pathogenicity. Review status: criteria provided, conflicting classifications (1 of 4 stars). 4 submissions from 4 submitters: Uncertain significance (3); Likely benign (1). Last evaluated 2025-03-05.

Conditions:
ADGRV1-related disorder. Also called: ADGRV1-related disorders; ADGRV1-related condition.
Inborn genetic diseases. Identifiers: MedGen C0950123, MeSH D030342.

Allele frequency attached by ClinVar (database versions not stated): gnomAD 0.00001.
gnomAD v4.1: 2 of 1,613,670 alleles (0.00012%); highest among the groups gnomAD compares: Admixed American, 0.0033%; no homozygotes.

Submissions (4):

Labcorp Genetics (formerly Invitae), Labcorp
Classification: Likely benign. Last evaluated: 2025-03-05. Review status: criteria provided, single submitter. Criteria: Invitae Variant Classification Sherloc (09022015). Collection method: clinical testing. Allele origin: germline.

PreventionGenetics, part of Exact Sciences
Classification: Uncertain significance for ADGRV1-related condition. Last evaluated: 2024-12-26. Review status: criteria provided, single submitter. Criteria: ACMG Guidelines, 2015. Collection method: clinical testing. Allele origin: germline.
Comment: The ADGRV1 c.12228A>G variant is predicted to result in the amino acid substitution p.Ile4076Met. To our knowledge, this variant has not been reported in the literature. This variant is reported in 0.0057% of alleles in individuals of Latino descent in gnomAD. At this time, the clinical significance of this variant is uncertain due to the absence of conclusive functional and genetic evidence.

GeneDx
Classification: Uncertain significance. Last evaluated: 2024-04-11. Review status: criteria provided, single submitter. Criteria: GeneDx Variant Classification Process June 2021. Collection method: clinical testing. Allele origin: germline. Affected: yes.
Comment: Not observed at significant frequency in large population cohorts (gnomAD); In silico analysis indicates that this missense variant does not alter protein structure/function; Has not been previously published as pathogenic or benign to our knowledge

Ambry Genetics
Classification: Uncertain significance for Inborn genetic diseases. Last evaluated: 2022-07-27. Review status: criteria provided, single submitter. Criteria: Ambry Variant Classification Scheme 2023. Collection method: clinical testing. Allele origin: germline.

NM_032119.4(ADGRV1):c.12228A>G (p.Ile4076Met)

Gene: ADGRV1 (adhesion G protein-coupled receptor V1; plus strand). Cytogenetic location: 5q14.3.
Variant type: single nucleotide variant.
Coding change: c.12228A>G on transcript NM_032119.4 (MANE Select); coding-DNA position 12228, A replaced by G.
Protein change: p.Ile4076Met; replaces isoleucine 4076 with methionine.
Molecular consequence: missense variant. On other transcripts: non-coding transcript variant (1).
Genome position (GRCh38, 1-based): chr5:90,763,412, A>G. VCF-style: chr5-90763412-A-G. GRCh37 (hg19) VCF-style: chr5-90059229-A-G.
Other names: short protein forms I4076M.
Identifiers: ClinVar variation 2213196 (VCV002213196.7), dbSNP rs1289601144, ClinGen allele CA360378308.